The following is an entry in ClinVar:

ClinVar aggregate classification (germline): Uncertain significance (1 of 4 stars; one submission).

Conditions:
Tuberous sclerosis 2 (TSC2). Identifiers: Orphanet 805, MedGen C1860707, MONDO:0013199, OMIM 613254.

Submission:

Labcorp Genetics (formerly Invitae), Labcorp
Classification: Uncertain significance for Tuberous sclerosis 2. Last evaluated: 2018-05-10. Review status: criteria provided, single submitter. Criteria: Invitae Variant Classification Sherloc (09022015). Collection method: clinical testing. Allele origin: germline.
Comment: In summary, the available evidence is currently insufficient to determine the role of this variant in disease. Therefore, it has been classified as a Variant of Uncertain Significance. Algorithms developed to predict the effect of missense changes on protein structure and function do not agree on the potential impact of this missense change (SIFT: "Tolerated"; PolyPhen-2: "Probably Damaging"; Align-GVGD: "Class C0"). This variant has not been reported in the literature in individuals with TSC2-related disease. This variant is not present in population databases (ExAC no frequency). This sequence change replaces glutamic acid with aspartic acid at codon 79 of the TSC2 protein (p.Glu79Asp). The glutamic acid residue is highly conserved and there is a small physicochemical difference between glutamic acid and aspartic acid.

NM_000548.5(TSC2):c.237A>T (p.Glu79Asp)

Gene: TSC2 (TSC complex subunit 2; plus strand). Cytogenetic location: 16p13.3.
Variant type: single nucleotide variant.
Coding change: c.237A>T on transcript NM_000548.5 (MANE Select); coding-DNA position 237, A replaced by T.
Protein change: p.Glu79Asp; replaces glutamic acid 79 with aspartic acid.
Molecular consequence: missense variant. On other transcripts: intron variant (2).
Genome position (GRCh38, 1-based): chr16:2,053,353, A>T. VCF-style: chr16-2053353-A-T. GRCh37 (hg19) VCF-style: chr16-2103354-A-T.
Other names: c.237A>T, p.Glu79Asp (NM_001077183.3, NM_001114382.3, NM_001363528.2 and 3 more transcripts); c.90A>T, p.Glu30Asp (NM_001318829.2); c.270A>T, p.Glu90Asp (NM_001318832.2); c.226-943A>T (NM_001318827.2); c.-1-2843A>T (NM_001318831.2); short protein forms E79D, E30D, E90D.
Identifiers: ClinVar variation 565882 (VCV000565882.8), dbSNP rs1567394781, ClinGen allele CA394305463.